The following is an entry in ClinVar:

NM_001042492.3(NF1):c.6771A>T (p.Lys2257Asn)

Gene: NF1 (neurofibromin 1; plus strand). Cytogenetic location: 17q11.2.
Variant type: single nucleotide variant.
Coding change: c.6771A>T on transcript NM_001042492.3 (MANE Select); coding-DNA position 6771, A replaced by T.
Protein change: p.Lys2257Asn; replaces lysine 2257 with asparagine.
Molecular consequence: missense variant.
Genome position (GRCh38, 1-based): chr17:31,338,091, A>T. VCF-style: chr17-31338091-A-T. GRCh37 (hg19) VCF-style: chr17-29665109-A-T.
Other names: c.6708A>T, p.Lys2236Asn (NM_000267.4); short protein forms K2236N, K2257N.
Identifiers: ClinVar variation 1507122 (VCV001507122.8), dbSNP rs2151558249, ClinGen allele CA399014126.

ClinVar aggregate classification (germline): Uncertain significance (1 of 4 stars; one submission).

Conditions:
Neurofibromatosis, type 1 (NF1). Also called: VON RECKLINGHAUSEN DISEASE; NEUROFIBROMATOSIS, TYPE I, SOMATIC; Peripheral type neurofibromatosis; Neurofibromatosis, type I. Identifiers: Orphanet 636, MedGen C0027831, MONDO:0018975, OMIM 162200. Disease mechanism: loss of function.

Submission:

Labcorp Genetics (formerly Invitae), Labcorp
Classification: Uncertain significance for Neurofibromatosis, type 1. Last evaluated: 2020-12-09. Review status: criteria provided, single submitter. Criteria: Invitae Variant Classification Sherloc (09022015). Collection method: clinical testing. Allele origin: germline.
Comment: This sequence change replaces lysine with asparagine at codon 2236 of the NF1 protein (p.Lys2236Asn). The lysine residue is highly conserved and there is a moderate physicochemical difference between lysine and asparagine. This variant is not present in population databases (ExAC no frequency). This variant has not been reported in the literature in individuals with NF1-related conditions. Algorithms developed to predict the effect of missense changes on protein structure and function are either unavailable or do not agree on the potential impact of this missense change (SIFT: "Deleterious"; PolyPhen-2: "Probably Damaging"; Align-GVGD: "Class C0"). In summary, the available evidence is currently insufficient to determine the role of this variant in disease. Therefore, it has been classified as a Variant of Uncertain Significance.